The following is an entry in ClinVar:

ClinVar aggregate classification (germline): Likely benign (1 of 4 stars; one submission).

Conditions:
Breast-ovarian cancer, familial, susceptibility to, 1 (BROVCA1). Also called: OVARIAN CANCER, SUSCEPTIBILITY TO; BRCA1 Hereditary Breast and Ovarian Cancer. Identifiers: Orphanet 145, MedGen C2676676, MONDO:0011450, OMIM 604370. Disease mechanism: loss of function.

gnomAD v4.1: 1 of 1,614,050 alleles (0.000062%); highest among the groups gnomAD compares: Non-Finnish European, 0.000085%; no homozygotes.

Submission:

Cancer Bioinformatics and Tumour Evolution Laboratory, Monash University
Classification: Likely benign for Breast-ovarian cancer, familial, susceptibility to, 1. Last evaluated: 2026-05-01. Review status: criteria provided, single submitter. Criteria: ClinGen BRCA1 and BRCA2 Guidelines, 2024. Collection method: curation. Allele origin: germline. Inheritance: Autosomal dominant inheritance.
Comment: Missense variant outside of a functional domain with no splice impact. BRCA1 and BRCA2 VCEP guidelines recommend application of BP1_Strong (PMID: 39142283)

NM_007294.4(BRCA1):c.3019T>C (p.Ser1007Pro)

Gene: BRCA1 (BRCA1 DNA repair associated; minus strand). Cytogenetic location: 17q21.31.
Variant type: single nucleotide variant.
Coding change: c.3019T>C on transcript NM_007294.4 (MANE Select); coding-DNA position 3019, T replaced by C.
Protein change: p.Ser1007Pro; replaces serine 1007 with proline.
Molecular consequence: missense variant. On other transcripts: intron variant (137).
Genome position (GRCh38, 1-based): chr17:43,092,512, A>G on the plus strand (T>C on the coding strand, the complement: BRCA1 is on the minus strand). VCF-style: chr17-43092512-A-G. GRCh37 (hg19) VCF-style: chr17-41244529-A-G.
Other names: c.2875T>C, p.Ser959Pro (NM_001407839.1, NM_001407841.1, NM_001407842.1 and 20 more transcripts); c.2878T>C, p.Ser960Pro (NM_001407735.1, NM_001407736.1, NM_001407737.1 and 29 more transcripts); c.3019T>C, p.Ser1007Pro (NM_001407593.1, NM_001407594.1, NM_001407596.1 and 30 more transcripts); c.3016T>C, p.Ser1006Pro (NM_001407610.1, NM_001407611.1, NM_001407587.1 and 22 more transcripts); c.2938T>C, p.Ser980Pro (NM_001407660.1, NM_001407661.1, NM_001407662.1 and 1 more transcripts); c.2941T>C, p.Ser981Pro (NM_001407663.1, NM_001407653.1, NM_001407654.1 and 4 more transcripts); c.2896T>C, p.Ser966Pro (NM_001407664.1, NM_001407665.1, NM_001407666.1 and 19 more transcripts); c.2893T>C, p.Ser965Pro (NM_001407685.1, NM_001407686.1, NM_001407687.1 and 11 more transcripts); and 41 more; short protein forms S1004P, S1006P, S1007P, S711P, S839P, S879P, S880P, S895P.
Identifiers: ClinVar variation 4856587 (VCV004856587.1).